The following is an entry in ClinVar:

ClinVar aggregate classification (germline): Uncertain significance. Review status: criteria provided, multiple submitters, no conflicts (2 of 4 stars). 2 submissions from 2 submitters: Uncertain significance (2). Last evaluated 2024-09-03.

Allele frequency attached by ClinVar (database versions not stated): gnomAD exomes below 0.00001 and 0.00001.
gnomAD v4.1: 1 of 1,584,944 alleles (0.000063%); highest among the groups gnomAD compares: Admixed American, 0.0018%; no homozygotes.

Submissions (2):

GeneDx
Classification: Uncertain significance. Last evaluated: 2024-09-03. Review status: criteria provided, single submitter. Criteria: GeneDx Variant Classification Process June 2021. Collection method: clinical testing. Allele origin: germline. Affected: yes.
Comment: Not observed at significant frequency in large population cohorts (gnomAD); In silico analysis indicates that this missense variant does not alter protein structure/function; Has not been previously reported as pathogenic or benign to our knowledge; This variant is associated with the following publications: (PMID: 37344815)

Athena Diagnostics
Classification: Uncertain significance. Last evaluated: 2017-07-19. Review status: criteria provided, single submitter. Criteria: Athena Diagnostics Criteria. Collection method: clinical testing. Allele origin: germline.

NM_002739.5(PRKCG):c.412G>A (p.Val138Met)

Gene: PRKCG (protein kinase C gamma; plus strand). Cytogenetic location: 19q13.42.
Variant type: single nucleotide variant.
Coding change: c.412G>A on transcript NM_002739.5 (MANE Select); coding-DNA position 412, G replaced by A.
Protein change: p.Val138Met; replaces valine 138 with methionine.
Molecular consequence: missense variant.
Genome position (GRCh38, 1-based): chr19:53,889,900, G>A. VCF-style: chr19-53889900-G-A. GRCh37 (hg19) VCF-style: chr19-54393154-G-A.
Other names: c.412G>A (LRG_669t1); c.412G>A, p.Val138Met (NM_001316329.2); short protein forms V138M.
Identifiers: ClinVar variation 448130 (VCV000448130.2), dbSNP rs1192424800, ClinGen allele CA407414371.
Genomic context (GRCh38, chr19:53,889,900, plus strand): 5'-GCTTGGGGGCGGGGCCTGAGGTGCTACCCGCAGCTTTCCCCTCCAGGCTGCGAGATGAAC[G>A]TGCACCGGCGCTGTGTGCGTAGCGTGCCCTCCCTGTGCGGTGTGGACCACACCGAGCGCC-3'
Protein context (NP_002730.1, residues 128-148): GMKCSCCEMN[Val138Met]HRRCVRSVPS